The following is an entry in ClinVar:

ClinVar aggregate classification (germline): Uncertain significance. Review status: criteria provided, multiple submitters, no conflicts (2 of 4 stars). 3 submissions from 3 submitters: Uncertain significance (3). Last evaluated 2025-06-07.

Conditions:
Inborn genetic diseases. Identifiers: MedGen C0950123, MeSH D030342.
Curry-Hall syndrome (WAD). Also called: WEYERS ACRODENTAL DYSOSTOSIS. Identifiers: Orphanet 952, MedGen C0457013, MONDO:0008673, OMIM 193530.
Ellis-van Creveld syndrome (EVC). Also called: EVC-Related Ellis-van Creveld Syndrome; EVC2-Related Ellis-van Creveld Syndrome; MESOECTODERMAL DYSPLASIA; Chondroectodermal dysplasia. Identifiers: Orphanet 289, MedGen C0013903, MONDO:0009162, OMIM 225500.

Allele frequency attached by ClinVar (database versions not stated): ExAC 0.00002; gnomAD exomes 0.00004; gnomAD 0.00005 and 0.00006; TOPMed 0.00009.
gnomAD v4.1: 63 of 1,614,140 alleles (0.0039%); highest among the groups gnomAD compares: African/African-American, 0.029%; no homozygotes.

Submissions (3):

Ambry Genetics
Classification: Uncertain significance for Inborn genetic diseases. Last evaluated: 2025-06-07. Review status: criteria provided, single submitter. Criteria: Ambry Variant Classification Scheme 2023. Collection method: clinical testing. Allele origin: germline.

Labcorp Genetics (formerly Invitae), Labcorp
Classification: Uncertain significance for Curry-Hall syndrome; Ellis-van Creveld syndrome. Last evaluated: 2024-10-29. Review status: criteria provided, single submitter. Criteria: Invitae Variant Classification Sherloc (09022015). Collection method: clinical testing. Allele origin: germline.
Comment: This sequence change replaces glutamic acid, which is acidic and polar, with lysine, which is basic and polar, at codon 467 of the EVC2 protein (p.Glu467Lys). This variant is present in population databases (rs377461598, gnomAD 0.02%). This variant has not been reported in the literature in individuals affected with EVC2-related conditions. ClinVar contains an entry for this variant (Variation ID: 967175). An algorithm developed to predict the effect of missense changes on protein structure and function (PolyPhen-2) suggests that this variant¬¨‚Ä†is likely to be tolerated. In summary, the available evidence is currently insufficient to determine the role of this variant in disease. Therefore, it has been classified as a Variant of Uncertain Significance.

Fulgent Genetics
Classification: Uncertain significance for Curry-Hall syndrome; Ellis-van Creveld syndrome. Last evaluated: 2024-06-11. Review status: criteria provided, single submitter. Criteria: ACMG Guidelines, 2015. Collection method: clinical testing. Allele origin: germline.

NM_147127.5(EVC2):c.1399G>A (p.Glu467Lys)

Genes: EVC2 (EvC ciliary complex subunit 2; minus strand), LOC126806961 (BRD4-independent group 4 enhancer GRCh37_chr4:5641443-5642642; plus strand). Cytogenetic location: 4p16.2.
Variant type: single nucleotide variant.
Coding change: c.1399G>A on transcript NM_147127.5 (MANE Select); coding-DNA position 1399, G replaced by A.
Protein change: p.Glu467Lys; replaces glutamic acid 467 with lysine.
Molecular consequence: missense variant.
Genome position (GRCh38, 1-based): chr4:5,640,585, C>T on the plus strand (G>A on the coding strand, the complement: EVC2 is on the minus strand). VCF-style: chr4-5640585-C-T. GRCh37 (hg19) VCF-style: chr4-5642312-C-T.
Other names: c.1159G>A, p.Glu387Lys (NM_001166136.2); short protein forms E387K, E467K.
Identifiers: ClinVar variation 967175 (VCV000967175.7), dbSNP rs377461598, ClinGen allele CA2835077.